The following is an entry in ClinVar:

NM_001376571.1(MADD):c.2508dup (p.Asn837fs)

Gene: MADD (MAP kinase activating death domain; plus strand). Cytogenetic location: 11p11.2.
Variant type: Duplication.
Coding change: c.2508dup on transcript NM_001376571.1 (MANE Select); coding-DNA position 2508, one base duplicated (C; older notation c.2508dupC).
Protein change: p.Asn837fs; shifts the reading frame from asparagine 837.
Molecular consequence: frameshift variant. On other transcripts: non-coding transcript variant (8).
Genome position (GRCh38, 1-based): chr11:47,285,547, C duplicated; the last of 2 consecutive C bases (chr11:47,285,546-47,285,547); duplicating either gives the same sequence. VCF-style (leftmost placement, unchanged base first): chr11-47285545-T-TC. GRCh37 (hg19) VCF-style: chr11-47307096-T-TC.
Other names: c.2175dup, p.Asn726fs (NM_001376644.1, NM_001376646.1, NM_001376647.1 and 5 more transcripts); c.2379dup, p.Asn794fs (NM_001376645.1, NM_001376650.1, NM_001376651.1 and 41 more transcripts); c.2304dup, p.Asn769fs (NM_001376648.1, NM_001376657.1, NM_001376620.1 and 1 more transcripts); c.2352dup, p.Asn785fs (NM_001376649.1, NM_001376632.1); c.2508dup, p.Asn837fs (NM_001376584.1, NM_001376593.1, NM_001376594.1 and 31 more transcripts); c.2355dup, p.Asn786fs (NM_001376602.1); c.2481dup, p.Asn828fs (NM_001376578.1, NM_001376631.1); c.1842dup, p.Asn615fs (NM_001376663.1); short protein forms N615fs, N726fs, N769fs, N785fs, N786fs, N794fs, N828fs, N837fs.
Identifiers: ClinVar variation 4850125 (VCV004850125.1).

ClinVar aggregate classification (germline): Likely pathogenic (1 of 4 stars; one submission).

Conditions:
Autosomal recessive MADD-related disorders.

Submission:

Variantyx, Inc.
Classification: Likely pathogenic for Autosomal recessive MADD-related disorders. Last evaluated: 2025-08-14. Review status: criteria provided, single submitter. Criteria: Variantyx Assertion Criteria 2022. Collection method: clinical testing. Allele origin: germline. Inheritance: Autosomal recessive inheritance. Affected: no.
Comment: This is a frameshift variant in the MADD gene (OMIM: 603584). Pathogenic variants in this gene have been associated with autosomal recessive MADD-related disorders. This variant introduces a premature termination codon in exon 14 out of 37 and is expected to result in loss of function, which is a known disease mechanism for MADD in these disorders (PMID: 32761064) (PVS1). This variant is absent from control populations (PM2). This variant has not been reported in individuals with MADD-related disorders in the databases available for review. Based on the current evidence, this variant is classified as likely pathogenic for autosomal recessive MADD-related disorders.

Literature cited by the submitters: PubMed 32761064.